The following is an entry in ClinVar:

ClinVar aggregate classification (germline): Pathogenic (1 of 4 stars; one submission).

Conditions:
Alstrom syndrome (ALMS). Identifiers: Orphanet 64, MedGen C0268425, MONDO:0008763, OMIM 203800.

Submission:

Labcorp Genetics (formerly Invitae), Labcorp
Classification: Pathogenic for Alstrom syndrome. Last evaluated: 2025-02-01. Review status: criteria provided, single submitter. Criteria: Invitae Variant Classification Sherloc (09022015). Collection method: clinical testing. Allele origin: germline.
Comment: This sequence change creates a premature translational stop signal (p.Ser697*) in the ALMS1 gene. It is expected to result in an absent or disrupted protein product. Loss-of-function variants in ALMS1 are known to be pathogenic (PMID: 17594715). This variant is not present in population databases (gnomAD no frequency). This variant has not been reported in the literature in individuals affected with ALMS1-related conditions. For these reasons, this variant has been classified as Pathogenic.

Literature cited by the submitters: PubMed 17594715.

NM_001378454.1(ALMS1):c.2087C>G (p.Ser696Ter)

Gene: ALMS1 (ALMS1 centrosome and basal body associated protein; plus strand). Cytogenetic location: 2p13.1.
Variant type: single nucleotide variant.
Coding change: c.2087C>G on transcript NM_001378454.1 (MANE Select); coding-DNA position 2087, C replaced by G.
Protein change: p.Ser696Ter; replaces serine 696 with a stop codon.
Molecular consequence: nonsense.
Genome position (GRCh38, 1-based): chr2:73,448,614, C>G. VCF-style: chr2-73448614-C-G. GRCh37 (hg19) VCF-style: chr2-73675741-C-G.
Other names: c.2090C>G, p.Ser697Ter (NM_015120.4); short protein forms S696*, S697*.
Identifiers: ClinVar variation 4777402 (VCV004777402.1).